The following is an entry in ClinVar:

NM_000257.4(MYH7):c.2184G>C (p.Ala728=)

Gene: MYH7 (myosin heavy chain 7; minus strand). Cytogenetic location: 14q11.2.
Variant type: single nucleotide variant.
Coding change: c.2184G>C on transcript NM_000257.4 (MANE Select); coding-DNA position 2184, G replaced by C.
Protein change: p.Ala728=; no amino-acid change (alanine 728 retained).
Molecular consequence: synonymous variant.
Genome position (GRCh38, 1-based): chr14:23,425,797, C>G on the plus strand (G>C on the coding strand, the complement: MYH7 is on the minus strand). VCF-style: chr14-23425797-C-G. GRCh37 (hg19) VCF-style: chr14-23895006-C-G.
Other names: c.2184G>C (LRG_384t1).
Identifiers: ClinVar variation 381997 (VCV000381997.11), dbSNP rs148650290, ClinGen allele CA16606950.

ClinVar aggregate classification (germline): Likely benign. Review status: criteria provided, multiple submitters, no conflicts (2 of 4 stars). 2 submissions from 2 submitters: Likely benign (2). Last evaluated 2025-03-18.

Conditions:
Hypertrophic cardiomyopathy. Also called: HYPERTROPHIC MYOCARDIOPATHY. Identifiers: Orphanet 217569, MedGen C0007194, MeSH D002312, MONDO:0005045, HP:0001639.

Allele frequency attached by ClinVar (database versions not stated): TOPMed 0.00001.
gnomAD v4.1: 5 of 1,613,834 alleles (0.00031%); highest among the groups gnomAD compares: Admixed American, 0.0017%; no homozygotes.

Submissions (2):

Labcorp Genetics (formerly Invitae), Labcorp
Classification: Likely benign for Hypertrophic cardiomyopathy. Last evaluated: 2025-03-18. Review status: criteria provided, single submitter. Criteria: Invitae Variant Classification Sherloc (09022015). Collection method: clinical testing. Allele origin: germline.

GeneDx
Classification: Likely benign. Last evaluated: 2015-12-03. Review status: criteria provided, single submitter. Criteria: GeneDx Variant Classification (06012015). Collection method: clinical testing. Allele origin: germline. Affected: yes.
Comment: This variant is considered likely benign or benign based on one or more of the following criteria: it is a conservative change, it occurs at a poorly conserved position in the protein, it is predicted to be benign by multiple in silico algorithms, and/or has population frequency not consistent with disease.